The following is an entry in ClinVar:

ClinVar aggregate classification (germline): Uncertain significance (1 of 4 stars; one submission).

Conditions:
Juvenile polyposis syndrome (JPS). Identifiers: Orphanet 2929, MedGen C0345893, MONDO:0017380, OMIM 174900.

Submission:

Labcorp Genetics (formerly Invitae), Labcorp
Classification: Uncertain significance for Juvenile polyposis syndrome. Last evaluated: 2022-05-26. Review status: criteria provided, single submitter. Criteria: Invitae Variant Classification Sherloc (09022015). Collection method: clinical testing. Allele origin: germline.
Comment: This variant is not present in population databases (gnomAD no frequency). In summary, the available evidence is currently insufficient to determine the role of this variant in disease. Therefore, it has been classified as a Variant of Uncertain Significance. Advanced modeling of protein sequence and biophysical properties (such as structural, functional, and spatial information, amino acid conservation, physicochemical variation, residue mobility, and thermodynamic stability) performed at Invitae indicates that this missense variant is expected to disrupt SMAD4 protein function. This variant has not been reported in the literature in individuals affected with SMAD4-related conditions. This sequence change replaces glycine, which is neutral and non-polar, with cysteine, which is neutral and slightly polar, at codon 286 of the SMAD4 protein (p.Gly286Cys).

NM_005359.6(SMAD4):c.856G>T (p.Gly286Cys)

Gene: SMAD4 (SMAD family member 4; plus strand). Cytogenetic location: 18q21.2.
Variant type: single nucleotide variant.
Coding change: c.856G>T on transcript NM_005359.6 (MANE Select); coding-DNA position 856, G replaced by T.
Protein change: p.Gly286Cys; replaces glycine 286 with cysteine.
Molecular consequence: missense variant.
Genome position (GRCh38, 1-based): chr18:51,058,408, G>T. VCF-style: chr18-51058408-G-T. GRCh37 (hg19) VCF-style: chr18-48584778-G-T.
Other names: c.856G>T, p.Gly286Cys (NM_001407041.1, NM_001407042.1, NM_001407043.1); short protein forms G286C.
Identifiers: ClinVar variation 2073445 (VCV002073445.4), dbSNP rs750111831, ClinGen allele CA402463520.